The following is an entry in ClinVar:

ClinVar aggregate classification (germline): Uncertain significance. Review status: criteria provided, multiple submitters, no conflicts (2 of 4 stars). 3 submissions from 3 submitters: Uncertain significance (3). Last evaluated 2026-04-01.

Conditions:
Cardiovascular phenotype. Identifiers: MedGen CN230736.
Dilated cardiomyopathy 1J (CMD1J). Also called: CARDIOMYOPATHY, DILATED, WITH SENSORINEURAL HEARING LOSS, AUTOSOMAL DOMINANT. Identifiers: Orphanet 217622, MedGen C1854368, MONDO:0011541, OMIM 605362.

Allele frequency attached by ClinVar (database versions not stated): gnomAD exomes 0.00001; TOPMed 0.00001.
gnomAD v4.1: 14 of 1,614,000 alleles (0.00087%); highest among the groups gnomAD compares: Non-Finnish European, 0.0012%; no homozygotes.

Submissions (3):

GeneDx
Classification: Uncertain significance. Last evaluated: 2026-04-01. Review status: criteria provided, single submitter. Criteria: GeneDx Variant Classification Process June 2021. Collection method: clinical testing. Allele origin: germline.
Comment: Not observed at significant frequency in large population cohorts (gnomAD); In silico analysis suggests that this missense variant does not alter protein structure/function; Has not been previously published as pathogenic or benign to our knowledge

Labcorp Genetics (formerly Invitae), Labcorp
Classification: Uncertain significance for Dilated cardiomyopathy 1J. Last evaluated: 2025-04-23. Review status: criteria provided, single submitter. Criteria: Invitae Variant Classification Sherloc (09022015). Collection method: clinical testing. Allele origin: germline.
Comment: This sequence change replaces lysine, which is basic and polar, with arginine, which is basic and polar, at codon 337 of the EYA4 protein (p.Lys337Arg). This variant is present in population databases (rs755172395, gnomAD 0.002%). This variant has not been reported in the literature in individuals affected with EYA4-related conditions. ClinVar contains an entry for this variant (Variation ID: 1053157). Invitae Evidence Modeling of protein sequence and biophysical properties (such as structural, functional, and spatial information, amino acid conservation, physicochemical variation, residue mobility, and thermodynamic stability) indicates that this missense variant is not expected to disrupt EYA4 protein function with a negative predictive value of 80%. In summary, the available evidence is currently insufficient to determine the role of this variant in disease. Therefore, it has been classified as a Variant of Uncertain Significance.

Ambry Genetics
Classification: Uncertain significance for Cardiovascular phenotype. Last evaluated: 2025-03-23. Review status: criteria provided, single submitter. Criteria: Ambry Variant Classification Scheme 2023. Collection method: clinical testing. Allele origin: germline.
Comment: The p.K337R variant (also known as c.1010A>G), located in coding exon 11 of the EYA4 gene, results from an A to G substitution at nucleotide position 1010. The lysine at codon 337 is replaced by arginine, an amino acid with highly similar properties. This amino acid position is conserved. In addition, the in silico prediction for this alteration is inconclusive. Since supporting evidence is limited at this time, the clinical significance of this alteration remains unclear.

NM_004100.5(EYA4):c.1010A>G (p.Lys337Arg)

Gene: EYA4 (EYA transcriptional coactivator and phosphatase 4; plus strand). Cytogenetic location: 6q23.2.
Variant type: single nucleotide variant.
Coding change: c.1010A>G on transcript NM_004100.5 (MANE Select); coding-DNA position 1010, A replaced by G.
Protein change: p.Lys337Arg; replaces lysine 337 with arginine.
Molecular consequence: missense variant.
Genome position (GRCh38, 1-based): chr6:133,481,502, A>G. VCF-style: chr6-133481502-A-G. GRCh37 (hg19) VCF-style: chr6-133802640-A-G.
Other names: c.848A>G, p.Lys283Arg (NM_001301012.2); c.1028A>G, p.Lys343Arg (NM_001301013.2); c.941A>G, p.Lys314Arg (NM_001370458.1, NM_172103.4); c.866A>G, p.Lys289Arg (NM_001370459.1); c.1010A>G, p.Lys337Arg (NM_172105.4); c.1010A>G (NM_004100.4); short protein forms K283R, K289R, K314R, K337R, K343R.
Identifiers: ClinVar variation 1053157 (VCV001053157.12), dbSNP rs755172395, ClinGen allele CA4008222.